The following is an entry in ClinVar:

NM_001371623.1(TCOF1):c.457T>C (p.Ser153Pro)

Gene: TCOF1 (treacle ribosome biogenesis factor 1; plus strand). Cytogenetic location: 5q32.
Variant type: single nucleotide variant.
Coding change: c.457T>C on transcript NM_001371623.1 (MANE Select); coding-DNA position 457, T replaced by C.
Protein change: p.Ser153Pro; replaces serine 153 with proline.
Molecular consequence: missense variant.
Genome position (GRCh38, 1-based): chr5:150,368,794, T>C. VCF-style: chr5-150368794-T-C. GRCh37 (hg19) VCF-style: chr5-149748357-T-C.
Other names: c.457T>C, p.Ser153Pro (NM_000356.4, NM_001008657.3, NM_001135243.2 and 3 more transcripts); c.457T>C (NM_001135243.1); short protein forms S153P.
Identifiers: ClinVar variation 1435366 (VCV001435366.9), dbSNP rs1161730410, ClinGen allele CA361734931.

ClinVar aggregate classification (germline): Uncertain significance. Review status: criteria provided, multiple submitters, no conflicts (2 of 4 stars). 2 submissions from 2 submitters: Uncertain significance (2). Last evaluated 2024-04-30.

Conditions:
Treacher Collins syndrome 1 (TCS1). Also called: TCOF1-Related Treacher Collins Syndrome. Identifiers: Orphanet 861, MedGen CN315775, MONDO:0007944, OMIM 154500.
Inborn genetic diseases. Identifiers: MedGen C0950123, MeSH D030342.

Allele frequency attached by ClinVar (database versions not stated): gnomAD exomes below 0.00001; gnomAD 0.00002; TOPMed 0.00003.
gnomAD v4.1: 5 of 1,613,980 alleles (0.00031%); highest among the groups gnomAD compares: African/African-American, 0.0053%; no homozygotes.

Submissions (2):

Ambry Genetics
Classification: Uncertain significance for Inborn genetic diseases. Last evaluated: 2024-04-30. Review status: criteria provided, single submitter. Criteria: Ambry Variant Classification Scheme 2023. Collection method: clinical testing. Allele origin: germline.

Labcorp Genetics (formerly Invitae), Labcorp
Classification: Uncertain significance for Treacher Collins syndrome 1. Last evaluated: 2021-04-09. Review status: criteria provided, single submitter. Criteria: Invitae Variant Classification Sherloc (09022015). Collection method: clinical testing. Allele origin: germline.
Comment: Algorithms developed to predict the effect of missense changes on protein structure and function are either unavailable or do not agree on the potential impact of this missense change (SIFT: "Deleterious"; PolyPhen-2: "Possibly Damaging"; Align-GVGD: "Class C0"). This variant has not been reported in the literature in individuals with TCOF1-related conditions. This variant is not present in population databases (ExAC no frequency). This sequence change replaces serine with proline at codon 153 of the TCOF1 protein (p.Ser153Pro). The serine residue is moderately conserved and there is a moderate physicochemical difference between serine and proline. In summary, the available evidence is currently insufficient to determine the role of this variant in disease. Therefore, it has been classified as a Variant of Uncertain Significance.